The following is an entry in ClinVar:

ClinVar aggregate classification (germline): Uncertain significance (1 of 4 stars; one submission).

Conditions:
Hereditary breast ovarian cancer syndrome. Also called: Hereditary breast and ovarian cancer syndrome; Hereditary breast and ovarian cancer; Hereditary breast and ovarian cancer syndrome (HBOC); Hereditary breast and/or ovarian cancer syndrome; Breast and ovarian cancer; BRCA1- and BRCA2-Associated Hereditary Breast and Ovarian Cancer. Identifiers: Orphanet 145, MedGen C0677776, MeSH D061325, MONDO:0003582. Disease mechanism: loss of function.

Submission:

Labcorp Genetics (formerly Invitae), Labcorp
Classification: Uncertain significance for Hereditary breast ovarian cancer syndrome. Last evaluated: 2025-08-07. Review status: criteria provided, single submitter. Criteria: Invitae Variant Classification Sherloc (09022015). Collection method: clinical testing. Allele origin: germline.
Comment: This sequence change creates a premature translational stop signal (p.Ser217Valfs*17) in the BRCA1 gene. Loss-of-function variants in BRCA1 are expected to be pathogenic (PMID: 20104584). However, an in-frame BRCA1 isoform lacking exons 8 and 9 (also known as exons 9 and 10) is highly expressed in blood from unaffected individuals and in normal breast tissue; this isoform may retain protein function and could functionally rescue loss-of-function variants within exons 8-9 (PMID: 24569164). This variant is not present in population databases (gnomAD no frequency). This variant has not been reported in the literature in individuals affected with BRCA1-related conditions. ClinVar contains an entry for this variant (Variation ID: 240828). In summary, the available evidence is currently insufficient to determine the role of this variant in disease. Therefore, it has been classified as a Variant of Uncertain Significance.

Literature cited by the submitters: PubMed 20104584; PubMed 24569164.

NM_007294.4(BRCA1):c.649del (p.Ser217fs)

Gene: BRCA1 (BRCA1 DNA repair associated; minus strand). Cytogenetic location: 17q21.31.
Variant type: Deletion.
Coding change: c.649del on transcript NM_007294.4 (MANE Select); coding-DNA position 649, one base deleted (A; older notation c.649delA).
Protein change: p.Ser217fs; shifts the reading frame from serine 217.
Molecular consequence: frameshift variant. On other transcripts: non-coding transcript variant (1).
Genome position (GRCh38, 1-based): chr17:43,095,867, T deleted on the plus strand (A on the coding strand, the reverse complement: BRCA1 is on the minus strand). VCF-style (leftmost placement, unchanged base first): chr17-43095866-CT-C. GRCh37 (hg19) VCF-style: chr17-41247883-CT-C.
Other names: c.436delA, p.Ser146Valfs (NM_001407571.1, NM_001407853.1, NM_001407894.1 and 12 more transcripts); c.649delA, p.Ser217Valfs (NM_001407581.1, NM_001407582.1, NM_001407583.1 and 57 more transcripts); c.646delA, p.Ser216Valfs (NM_001407587.1, NM_001407590.1, NM_001407591.1 and 41 more transcripts); c.640delA, p.Ser214Valfs (NM_001407646.1, NM_001407647.1, NM_001408408.1); c.571delA, p.Ser191Valfs (NM_001407653.1, NM_001407654.1, NM_001407655.1 and 9 more transcripts); c.568delA, p.Ser190Valfs (NM_001407659.1, NM_001407660.1, NM_001407661.1 and 3 more transcripts); c.508delA, p.Ser170Valfs (NM_001407692.1, NM_001407694.1, NM_001407695.1 and 42 more transcripts); c.505delA, p.Ser169Valfs (NM_001407740.1, NM_001407741.1, NM_001407742.1 and 26 more transcripts); and 6 more; short protein forms S170fs, S217fs.
Identifiers: ClinVar variation 240828 (VCV000240828.10), dbSNP rs878854963, ClinGen allele CA10583588.
Genomic context (GRCh38, chr17:43,095,866, plus strand): 5'-TCTTTTCAGTGCCTGTTAAGTTGGCAAACTTTGCCATTACCCTTTTTTGCAGAATCCAAA[CT>C]GATTTCATCCCTGGTTCCTTGAGGGGTGATTTGTAACAATTCTTGATCTCCCACACTATA-3'